The following is an entry in ClinVar:

NM_145207.3(AFG2A):c.1168G>A (p.Val390Met)

Gene: AFG2A (AAA ATPase AFG2A; plus strand). Cytogenetic location: 4q28.1.
Variant type: single nucleotide variant.
Coding change: c.1168G>A on transcript NM_145207.3 (MANE Select); coding-DNA position 1168, G replaced by A.
Protein change: p.Val390Met; replaces valine 390 with methionine.
Molecular consequence: missense variant.
Genome position (GRCh38, 1-based): chr4:122,935,734, G>A. VCF-style: chr4-122935734-G-A. GRCh37 (hg19) VCF-style: chr4-123856889-G-A.
Other names: c.1165G>A, p.Val389Met (NM_001317799.2, NM_001345856.2); short protein forms V389M, V390M.
Identifiers: ClinVar variation 2066449 (VCV002066449.3), dbSNP rs2476818011, ClinGen allele CA358103680.

ClinVar aggregate classification (germline): Uncertain significance (1 of 4 stars; one submission).

Conditions:
Microcephaly-intellectual disability-sensorineural hearing loss-epilepsy-abnormal muscle tone syndrome (NEDHSB). Also called: NEURODEVELOPMENTAL DISORDER WITH HEARING LOSS, SEIZURES, AND BRAIN ABNORMALITIES. Identifiers: Orphanet 457351, MedGen C4225276, MONDO:0014698, OMIM 616577.

Submission:

Labcorp Genetics (formerly Invitae), Labcorp
Classification: Uncertain significance for Microcephaly-intellectual disability-sensorineural hearing loss-epilepsy-abnormal muscle tone syndrome. Last evaluated: 2022-08-16. Review status: criteria provided, single submitter. Criteria: Invitae Variant Classification Sherloc (09022015). Collection method: clinical testing. Allele origin: germline.
Comment: This variant is not present in population databases (gnomAD no frequency). This variant has not been reported in the literature in individuals affected with SPATA5-related conditions. Algorithms developed to predict the effect of missense changes on protein structure and function are either unavailable or do not agree on the potential impact of this missense change (SIFT: "Deleterious"; PolyPhen-2: "Probably Damaging"; Align-GVGD: "Class C0"). In summary, the available evidence is currently insufficient to determine the role of this variant in disease. Therefore, it has been classified as a Variant of Uncertain Significance. This sequence change replaces valine, which is neutral and non-polar, with methionine, which is neutral and non-polar, at codon 390 of the SPATA5 protein (p.Val390Met).